The following is an entry in ClinVar:

ClinVar aggregate classification (germline): Uncertain significance (1 of 4 stars; one submission).

Submission:

GeneDx
Classification: Uncertain significance. Last evaluated: 2024-11-18. Review status: criteria provided, single submitter. Criteria: GeneDx Variant Classification Process June 2021. Collection method: clinical testing. Allele origin: germline. Affected: yes.
Comment: Not observed at significant frequency in large population cohorts (gnomAD); In silico analysis supports that this missense variant has a deleterious effect on protein structure/function; Has not been previously published as pathogenic or benign to our knowledge

NM_032482.3(DOT1L):c.4057T>C (p.Phe1353Leu)

Gene: DOT1L (DOT1 like histone lysine methyltransferase; plus strand). Cytogenetic location: 19p13.3.
Variant type: single nucleotide variant.
Coding change: c.4057T>C on transcript NM_032482.3 (MANE Select); coding-DNA position 4057, T replaced by C.
Protein change: p.Phe1353Leu; replaces phenylalanine 1353 with leucine.
Molecular consequence: missense variant.
Genome position (GRCh38, 1-based): chr19:2,226,578, T>C. VCF-style: chr19-2226578-T-C. GRCh37 (hg19) VCF-style: chr19-2226577-T-C.
Other names: c.4057T>C, p.Phe1353Leu (NM_001411141.1); short protein forms F1353L.
Identifiers: ClinVar variation 3899614 (VCV003899614.1).